The following is an entry in ClinVar:

NM_001356.5(DDX3X):c.679+131A>G

Gene: DDX3X (DEAD-box helicase 3 X-linked; plus strand). Cytogenetic location: Xp11.4.
Variant type: single nucleotide variant.
Coding change: c.679+131A>G on transcript NM_001356.5 (MANE Select); 131 bases into the intron after coding-DNA position 679, A replaced by G.
Molecular consequence: intron variant.
Genome position (GRCh38, 1-based): chrX:41,343,482, A>G. VCF-style: chrX-41343482-A-G. GRCh37 (hg19) VCF-style: chrX-41202735-A-G.
Other names: c.679+131A>G (NM_001193416.3); c.631+131A>G (NM_001193417.3); c.121+131A>G (NM_001363819.1).
Identifiers: ClinVar variation 4856033 (VCV004856033.1).
Genomic context (GRCh38, chrX:41,343,482, plus strand): 5'-TTTTATGGGTCATGCAGTTTTGCAGCTGCTCTGCGCTGCTATTGGACTGTGAAAGAAGCC[A>G]TAGATGATACATAAATTATTGGTTACGGCTGTATTCCGTAAGAGCTTTATTTATAAAAAT-3'

ClinVar aggregate classification (germline): Uncertain significance (1 of 4 stars; one submission).

Conditions:
Intellectual disability, X-linked 102 (MRXSSB). Also called: Intellectual developmental disorder, X-linked syndromic, Snijders Blok type. Identifiers: Orphanet 457260, MedGen C5393299, MONDO:0010497, OMIM 300958.

Submission:

3billion
Classification: Uncertain significance for Intellectual disability, X-linked 102. Last evaluated: 2025-12-01. Review status: criteria provided, single submitter. Criteria: ACMG Guidelines, 2015. Collection method: clinical testing. Allele origin: germline. Affected: yes.
Comment: The variant is observed at an extremely low frequency in the gnomAD v4.1.0 dataset (total allele frequency: <0.001%). Predicted Consequence/Location: Intron variant Prediction of the variant by In silico tools to alter splicing and produce an abnormal transcript is uncertain [SpliceAI: 0.15 (spliceogenicity >=0.2, non-spliceogenicity <0.1)]. Therefore, this variant is classified as VUS according to the recommendation of ACMG/AMP guideline.